The following is an entry in ClinVar:

ClinVar aggregate classification (germline): Conflicting classifications of pathogenicity. Review status: criteria provided, conflicting classifications (1 of 4 stars). 7 submissions from 7 submitters: Pathogenic (1); Likely pathogenic (4); Uncertain significance (1). 1 of the submissions does not count toward it. Last evaluated 2026-09-22.

Conditions:
GALT-related disorder. Also called: GALT-related condition.
Galactosemia. Also called: Galactose intolerance. Identifiers: Orphanet 352, MedGen C0016952, MONDO:0018116, HP:0004919. Disease mechanism: loss of function.
Deficiency of UDPglucose-hexose-1-phosphate uridylyltransferase. Also called: GALT deficiency; Galactosemia, classic; Transferase Deficiency Galactosemia; GALACTOSEMIA I; GALACTOSE-1-PHOSPHATE URIDYLYLTRANSFERASE DEFICIENCY. Identifiers: Orphanet 352, Orphanet 79239, MedGen C0268151, MONDO:0009258, OMIM 230400.

Allele frequency attached by ClinVar (database versions not stated): gnomAD 0.00003 and 0.00004; TOPMed 0.00003.

Submissions (7):

PreventionGenetics, part of Exact Sciences
Classification: Likely pathogenic for GALT-related condition. Last evaluated: 2026-09-22. Review status: criteria provided, single submitter. Criteria: ACMG Guidelines, 2015. Collection method: clinical testing. Allele origin: germline.
Comment: The GALT c.1006A>T variant is predicted to result in the amino acid substitution p.Met336Leu. This variant has been reported with other GALT variants in multiple individuals with galactosemia (Elsas and Lai. 1998. PubMed ID: 11261429; Robertson et al. 2000. PubMed ID: 11397328; Calderon et al. 2007. PubMed ID: 17876724; Yuzyuk et al. 2018. PubMed ID: 29350350). This variant is reported in 0.0053% of alleles in individuals of European (Non-Finnish) descent in gnomAD. This variant is interpreted as likely pathogenic.

Myriad Genetics, Inc.
Classification: Uncertain significance for Deficiency of UDPglucose-hexose-1-phosphate uridylyltransferase. Last evaluated: 2026-06-08. Review status: criteria provided, single submitter. Criteria: Myriad Autosomal Dominant, Autosomal Recessive and X-Linked Classification Criteria (2023). Collection method: clinical testing. Allele origin: unknown.
Comment: NM_000155.3(GALT):c.1006A>T(M336L) is a missense variant classified as a variant of uncertain significance in the context of galactosemia. M336L has been observed in cases with relevant disease (PMID: 11397328, 29350350, 17876724). Relevant functional assessments of this variant are not available in the literature. M336L has been observed in referenced population frequency databases. In summary, there is insufficient evidence to classify NM_000155.3(GALT):c.1006A>T(M336L) as pathogenic or benign. Please note: this variant was assessed in the context of healthy population screening.

Natera, Inc.
Classification: Likely pathogenic for Galactosemia. Last evaluated: 2025-12-16. Review status: criteria provided, single submitter. Criteria: Natera Variant Classification Schema (03/2026). Collection method: clinical testing. Allele origin: germline.
Comment: The c.1006A>T variant in GALT is a missense variant predicted to cause substitution of methionine to leucine at amino acid 336. This variant is rare in the general population with a frequency below the threshold expected for the associated phenotype(s). This variant has been observed in one or more individuals affected with the associated recessive disease, as either homozygous or compound heterozygous with a second variant (PMID: 11397328, 17876724, 29350350). Given the available evidence, this variant is classified as Likely Pathogenic.

Baylor Genetics
Classification: Likely pathogenic for Deficiency of UDPglucose-hexose-1-phosphate uridylyltransferase. Last evaluated: 2024-02-24. Review status: criteria provided, single submitter. Criteria: ACMG Guidelines, 2015. Collection method: clinical testing. Allele origin: unknown.

Labcorp Genetics (formerly Invitae), Labcorp
Classification: Pathogenic for Deficiency of UDPglucose-hexose-1-phosphate uridylyltransferase. Last evaluated: 2023-10-28. Review status: criteria provided, single submitter. Criteria: Invitae Variant Classification Sherloc (09022015). Collection method: clinical testing. Allele origin: germline.
Comment: This sequence change replaces methionine, which is neutral and non-polar, with leucine, which is neutral and non-polar, at codon 336 of the GALT protein (p.Met336Leu). This variant is present in population databases (rs111033810, gnomAD 0.004%). This missense change has been observed in individual(s) with galactosemia (PMID: 11397328, 17876724). ClinVar contains an entry for this variant (Variation ID: 25315). Advanced modeling of protein sequence and biophysical properties (such as structural, functional, and spatial information, amino acid conservation, physicochemical variation, residue mobility, and thermodynamic stability) performed at Invitae indicates that this missense variant is expected to disrupt GALT protein function with a positive predictive value of 95%. For these reasons, this variant has been classified as Pathogenic.

Mayo Clinic Laboratories, Mayo Clinic
Classification: Likely pathogenic. Last evaluated: 2022-12-21. Review status: criteria provided, single submitter. Criteria: ACMG Guidelines, 2015. Collection method: clinical testing. Allele origin: germline. Observed: 1 variant allele.
Comment: PP3, PP4, PM2, PM3, PS4_moderate

Counsyl
Classification: Uncertain significance for Deficiency of UDPglucose-hexose-1-phosphate uridylyltransferase. Last evaluated: 2017-12-28. Review status: no assertion criteria provided. Collection method: clinical testing. Allele origin: unknown. Not counted in ClinVar's aggregate classification.

Literature cited by the submitters: PubMed 11397328 (cited by 5 submitters); PubMed 17876724 (cited by 5 submitters); PubMed 29350350 (cited by Myriad Genetics, Inc. and Natera, Inc.); PubMed 10408771 (cited by Mayo Clinic Laboratories, Mayo Clinic); PubMed 11113841 (cited by Mayo Clinic Laboratories, Mayo Clinic); PubMed 20008339 (cited by Mayo Clinic Laboratories, Mayo Clinic and Counsyl); PubMed 27005423 (cited by Mayo Clinic Laboratories, Mayo Clinic and Counsyl); PubMed 35118398 (cited by Mayo Clinic Laboratories, Mayo Clinic).

NM_000155.4(GALT):c.1006A>T (p.Met336Leu)

Gene: GALT (galactose-1-phosphate uridylyltransferase; plus strand). Cytogenetic location: 9p13.3.
Variant type: single nucleotide variant.
Coding change: c.1006A>T on transcript NM_000155.4 (MANE Select); coding-DNA position 1006, A replaced by T.
Protein change: p.Met336Leu; replaces methionine 336 with leucine.
Molecular consequence: missense variant.
Genome position (GRCh38, 1-based): chr9:34,649,511, A>T. VCF-style: chr9-34649511-A-T. GRCh37 (hg19) VCF-style: chr9-34649508-A-T.
Other names: c.679A>T, p.Met227Leu (NM_001258332.2); short protein forms M227L.
Identifiers: ClinVar variation 25315 (VCV000025315.16), dbSNP rs111033810, ClinGen allele CA259564.